The following is an entry in ClinVar:

NM_000138.5(FBN1):c.6576C>A (p.Cys2192Ter)

Gene: FBN1 (fibrillin 1; minus strand). Cytogenetic location: 15q21.1.
Variant type: single nucleotide variant.
Coding change: c.6576C>A on transcript NM_000138.5 (MANE Select); coding-DNA position 6576, C replaced by A.
Protein change: p.Cys2192Ter; replaces cysteine 2192 with a stop codon.
Molecular consequence: nonsense.
Genome position (GRCh38, 1-based): chr15:48,434,634, G>T on the plus strand (C>A on the coding strand, the complement: FBN1 is on the minus strand). VCF-style: chr15-48434634-G-T. GRCh37 (hg19) VCF-style: chr15-48726831-G-T.
Other names: c.6576C>A, p.Cys2192Ter (NM_001406716.1); short protein forms C2192*.
Identifiers: ClinVar variation 2012945 (VCV002012945.4), dbSNP rs369058466, ClinGen allele CA392334844.
Genomic context (GRCh38, chr15:48,434,634, plus strand): 5'-TCTCTGTTTAAGAGATGTACCTTCACATGTCATCATTGGACCGGGCTCAAATCCCTCCTC[G>T]CAGGTGCATTCAAAACCTCCAATCACATTCTTGCAGGTTCCATTTCCACAAGGATTGCCA-3'

ClinVar aggregate classification (germline): Pathogenic (1 of 4 stars; one submission).

Conditions:
Familial thoracic aortic aneurysm and aortic dissection (TAAD). Also called: Thoracic aortic aneurysms and dissections. Identifiers: Orphanet 91387, MedGen C4707243, MONDO:0019625.
Marfan syndrome (MFS). Also called: MARFAN SYNDROME, TYPE I; Marfan syndrome type 1; Marfan's syndrome; Marfan syndrome, classic; FBN1-Related Marfan Syndrome. Identifiers: Orphanet 284963, Orphanet 558, MedGen C0024796, MONDO:0007947, OMIM 154700.

Submission:

Labcorp Genetics (formerly Invitae), Labcorp
Classification: Pathogenic for Marfan syndrome; Familial thoracic aortic aneurysm and aortic dissection. Last evaluated: 2022-07-01. Review status: criteria provided, single submitter. Criteria: Invitae Variant Classification Sherloc (09022015). Collection method: clinical testing. Allele origin: germline.
Comment: This variant has not been reported in the literature in individuals affected with FBN1-related conditions. For these reasons, this variant has been classified as Pathogenic. This variant is not present in population databases (gnomAD no frequency). This sequence change creates a premature translational stop signal (p.Cys2192*) in the FBN1 gene. It is expected to result in an absent or disrupted protein product. Loss-of-function variants in FBN1 are known to be pathogenic (PMID: 17657824, 19293843).

Literature cited by the submitters: PubMed 17657824; PubMed 19293843.